The following is an entry in ClinVar:

ClinVar aggregate classification (germline): Benign/Likely benign. Review status: criteria provided, multiple submitters, no conflicts (2 of 4 stars). 4 submissions from 4 submitters: Benign (2); Likely benign (2). Last evaluated 2024-12-12.

Conditions:
Kleefstra syndrome 1 (KLEFS1). Identifiers: Orphanet 261494, MedGen C0795833, MONDO:0027407, OMIM 610253.
Inborn genetic diseases. Identifiers: MedGen C0950123, MeSH D030342.

Allele frequency attached by ClinVar (database versions not stated): TOPMed 0.00002; gnomAD 0.00003; gnomAD exomes 0.00009; ExAC 0.00010.
gnomAD v4.1: 78 of 1,613,078 alleles (0.0048%); highest among the groups gnomAD compares: East Asian, 0.051%; no homozygotes.

Submissions (4):

Labcorp Genetics (formerly Invitae), Labcorp
Classification: Benign for Kleefstra syndrome 1. Last evaluated: 2024-12-12. Review status: criteria provided, single submitter. Criteria: Invitae Variant Classification Sherloc (09022015). Collection method: clinical testing. Allele origin: germline.

CeGaT Center for Human Genetics Tuebingen
Classification: Likely benign. Last evaluated: 2022-11-01. Review status: criteria provided, single submitter. Criteria: CeGaT Center For Human Genetics Tuebingen Variant Classification Criteria Version 2. Collection method: clinical testing. Allele origin: germline. Affected: yes. Observed: 1 variant allele.
Comment: EHMT1: BP4, BP7

GeneDx
Classification: Benign. Last evaluated: 2020-02-09. Review status: criteria provided, single submitter. Criteria: GeneDx Variant Classification Process June 2021. Collection method: clinical testing. Allele origin: germline. Affected: yes.

Ambry Genetics
Classification: Likely benign for Inborn genetic diseases. Last evaluated: 2017-03-09. Review status: criteria provided, single submitter. Criteria: Ambry Variant Classification Scheme 2023. Collection method: clinical testing. Allele origin: germline.

NM_024757.5(EHMT1):c.369C>T (p.Asn123=)

Gene: EHMT1 (euchromatic histone lysine methyltransferase 1; plus strand). Cytogenetic location: 9q34.3.
Variant type: single nucleotide variant.
Coding change: c.369C>T on transcript NM_024757.5 (MANE Select); coding-DNA position 369, C replaced by T.
Protein change: p.Asn123=; no amino-acid change (asparagine 123 retained).
Molecular consequence: synonymous variant.
Genome position (GRCh38, 1-based): chr9:137,716,909, C>T. VCF-style: chr9-137716909-C-T. GRCh37 (hg19) VCF-style: chr9-140611361-C-T.
Other names: c.369C>T, p.Asn123= (NM_001145527.2, NM_001354263.2, NM_001354611.2); c.276C>T, p.Asn92= (NM_001354259.2, NM_001354612.2).
Identifiers: ClinVar variation 589559 (VCV000589559.40), dbSNP rs770086341, ClinGen allele CA5374285.